The following is an entry in ClinVar:

NM_058174.3(COL6A2):c.2631C>T (p.Thr877=)

Gene: COL6A2 (collagen type VI alpha 2 chain; plus strand). Cytogenetic location: 21q22.3.
Variant type: single nucleotide variant.
Coding change: c.2631C>T on transcript NM_058174.3 (MANE Plus Clinical); coding-DNA position 2631, C replaced by T.
Protein change: p.Thr877=; no amino-acid change (threonine 877 retained).
Molecular consequence: synonymous variant. On other transcripts: 3 prime UTR variant (1), intron variant (1).
Genome position (GRCh38, 1-based): chr21:46,129,365, C>T. VCF-style: chr21-46129365-C-T. GRCh37 (hg19) VCF-style: chr21-47549279-C-T.
Other names: c.*437C>T (NM_058175.3); c.2462-2589C>T (NM_001849.4).
Identifiers: ClinVar variation 2652805 (VCV002652805.25), dbSNP rs140715835, ClinGen allele CA10072798.

ClinVar aggregate classification (germline): Likely benign. Review status: criteria provided, multiple submitters, no conflicts (2 of 4 stars). 2 submissions from 2 submitters: Likely benign (2). Last evaluated 2023-04-05.

Allele frequency attached by ClinVar (database versions not stated): ExAC 0.00003; gnomAD 0.00003; ESP Exome Variant Server 0.00023.
gnomAD v4.1: 33 of 1,612,860 alleles (0.002%); highest among the groups gnomAD compares: African/African-American, 0.0067%; no homozygotes.

Submissions (2):

Blueprint Genetics
Classification: Likely benign. Last evaluated: 2023-04-05. Review status: criteria provided, single submitter. Criteria: ACMG Guidelines, 2015. Collection method: clinical testing. Allele origin: germline.

CeGaT Center for Human Genetics Tuebingen
Classification: Likely benign. Last evaluated: 2022-10-01. Review status: criteria provided, single submitter. Criteria: CeGaT Center For Human Genetics Tuebingen Variant Classification Criteria Version 2. Collection method: clinical testing. Allele origin: germline. Affected: yes. Observed: 1 variant allele.
Comment: COL6A2: BP4, BP7